The following is an entry in ClinVar:

ClinVar aggregate classification (germline): Uncertain significance (1 of 4 stars; one submission).

Allele frequency attached by ClinVar (database versions not stated): ExAC 0.00001; gnomAD 0.00001; gnomAD exomes 0.00001; TOPMed 0.00001.

Submission:

Labcorp Genetics (formerly Invitae), Labcorp
Classification: Uncertain significance. Last evaluated: 2025-03-22. Review status: criteria provided, single submitter. Criteria: Invitae Variant Classification Sherloc (09022015). Collection method: clinical testing. Allele origin: germline.
Comment: This variant, c.1767_1778dup, results in the insertion of 4 amino acid(s) of the SAMD11 protein (p.Lys590_Pro593dup), but otherwise preserves the integrity of the reading frame. This variant is present in population databases (rs772585095, gnomAD 0.006%). This variant has not been reported in the literature in individuals affected with SAMD11-related conditions. ClinVar contains an entry for this variant (Variation ID: 1060978). Experimental studies and prediction algorithms are not available or were not evaluated, and the functional significance of this variant is currently unknown. In summary, the available evidence is currently insufficient to determine the role of this variant in disease. Therefore, it has been classified as a Variant of Uncertain Significance.

NM_001385641.1(SAMD11):c.2256_2267dup (p.Lys753_Pro756dup)

Gene: SAMD11 (sterile alpha motif domain containing 11; plus strand). Cytogenetic location: 1p36.33.
Variant type: Duplication.
Coding change: c.2256_2267dup on transcript NM_001385641.1 (MANE Select); coding-DNA positions 2256 to 2267, 12 bases duplicated (GAAGCTGGGGCC).
Protein change: p.Lys753_Pro756dup.
Molecular consequence: inframe insertion.
Genome position (GRCh38, 1-based): chr1:943,775-943,786, GAAGCTGGGGCC duplicated. VCF-style (leftmost placement, unchanged base first): chr1-943774-T-TGAAGCTGGGGCC. GRCh37 (hg19) VCF-style: chr1-879154-T-TGAAGCTGGGGCC.
Other names: c.2259_2270dup, p.Lys754_Pro757dup (NM_001385640.1); c.1767_1778dup, p.Lys590_Pro593dup (NM_152486.4).
Identifiers: ClinVar variation 1060978 (VCV001060978.7), dbSNP rs772585095, ClinGen allele CA503268.
Genomic context (GRCh38, chr1:943,774, plus strand): 5'-GGATCGACGGGGAGACCCTGCCACTGCTGACGGAGGAGCACCTGCTGACCAACATGGGGC[T>TGAAGCTGGGGCC]GAAGCTGGGGCCCGCCCTCAAGATCCGGGCCCAGGTGAGACGCTGGGGAGTGAGGTCAGG-3'